The following is an entry in ClinVar:

NM_000548.5(TSC2):c.138+3G>A

Gene: TSC2 (TSC complex subunit 2; plus strand). Cytogenetic location: 16p13.3.
Variant type: single nucleotide variant.
Coding change: c.138+3G>A on transcript NM_000548.5 (MANE Select); 3 bases into the intron after coding-DNA position 138, G replaced by A.
Molecular consequence: intron variant.
Genome position (GRCh38, 1-based): chr16:2,048,756, G>A. VCF-style: chr16-2048756-G-A. GRCh37 (hg19) VCF-style: chr16-2098757-G-A.
Other names: c.-1600+3G>A (NM_001406693.1); c.138+3G>A (NM_001406667.1, NM_001406668.1, NM_001114382.3 and 13 more transcripts); c.-679+3G>A (NM_001406680.1, NM_001406683.1, NM_001406687.1); c.-1294+3G>A (NM_001406689.1, NM_001406690.1, NM_001406692.1 and 2 more transcripts); c.-1470+3G>A (NM_001406698.1); c.-1175+3G>A (NM_001406694.1, NM_001406695.1); c.-1282+3G>A (NM_001406696.1); c.-308+3G>A (NM_001406681.1); and 4 more.
Identifiers: ClinVar variation 4983461 (VCV004983461.1).

ClinVar aggregate classification (germline): Likely benign (1 of 4 stars; one submission).

Conditions:
TSC2-related disorder. Also called: TSC2-Related Disorders; TSC2-related condition.

Submission:

PreventionGenetics, part of Exact Sciences
Classification: Likely benign for TSC2-related condition. Last evaluated: 2024-12-22. Review status: criteria provided, single submitter. Criteria: ACMG Guidelines, 2015. Collection method: clinical testing. Allele origin: germline.
Comment: This variant is classified as likely benign based on ACMG/AMP sequence variant interpretation guidelines (Richards et al. 2015 PMID: 25741868, with internal and published modifications).